The following is an entry in ClinVar:

ClinVar aggregate classification (germline): Uncertain significance. Review status: criteria provided, multiple submitters, no conflicts (2 of 4 stars). 2 submissions from 2 submitters: Uncertain significance (2). Last evaluated 2024-10-17.

gnomAD v4.1: 87 of 1,613,664 alleles (0.0054%); highest among the groups gnomAD compares: Admixed American, 0.0067%; no homozygotes.

Submissions (2):

Labcorp Genetics (formerly Invitae), Labcorp
Classification: Uncertain significance. Last evaluated: 2024-10-17. Review status: criteria provided, single submitter. Criteria: Invitae Variant Classification Sherloc (09022015). Collection method: clinical testing. Allele origin: germline.
Comment: This sequence change falls in intron 7 of the PRKN gene. It does not directly change the encoded amino acid sequence of the PRKN protein. It affects a nucleotide within the consensus splice site. This variant is present in population databases (rs369541854, gnomAD 0.009%). This variant has not been reported in the literature in individuals affected with PRKN-related conditions. Variants that disrupt the consensus splice site are a relatively common cause of aberrant splicing (PMID: 17576681, 9536098). Algorithms developed to predict the effect of sequence changes on RNA splicing suggest that this variant may disrupt the consensus splice site. In summary, the available evidence is currently insufficient to determine the role of this variant in disease. Therefore, it has been classified as a Variant of Uncertain Significance.

Athena Diagnostics
Classification: Uncertain significance. Last evaluated: 2023-09-29. Review status: criteria provided, single submitter. Criteria: Athena Diagnostics Criteria. Collection method: clinical testing. Allele origin: unknown.
Comment: Available data are insufficient to determine the clinical significance of the variant at this time. The frequency of this variant in the general population is uninformative in assessment of its pathogenicity. Computational tools yielded predictions that this variant may interfere with normal RNA splicing.

Literature cited by the submitters: PubMed 17576681 (cited by Labcorp Genetics (formerly Invitae), Labcorp); PubMed 9536098 (cited by Labcorp Genetics (formerly Invitae), Labcorp).

NM_004562.3(PRKN):c.871+5G>A

Gene: PRKN (parkin RBR E3 ubiquitin protein ligase; minus strand). Cytogenetic location: 6q26.
Variant type: single nucleotide variant.
Coding change: c.871+5G>A on transcript NM_004562.3 (MANE Select); 5 bases into the intron after coding-DNA position 871, G replaced by A.
Molecular consequence: intron variant.
Genome position (GRCh38, 1-based): chr6:161,785,767, C>T on the plus strand (G>A on the coding strand, the complement: PRKN is on the minus strand). VCF-style: chr6-161785767-C-T. GRCh37 (hg19) VCF-style: chr6-162206799-C-T.
Other names: c.424+5G>A (NM_013988.3); c.787+5G>A (NM_013987.3).
Identifiers: ClinVar variation 3571880 (VCV003571880.3).